The following is an entry in ClinVar:

ClinVar aggregate classification (germline): Likely benign. Review status: criteria provided, multiple submitters, no conflicts (2 of 4 stars). 3 submissions from 3 submitters: Likely benign (3). Last evaluated 2025-10-07.

Conditions:
Early-infantile DEE. Also called: Early infantile epileptic encephalopathy with suppression bursts; Ohtahara syndrome; Early infantile epileptic encephalopathy. Identifiers: Orphanet 1934, MedGen C0393706, MONDO:0800491.

Submissions (3):

Women's Health and Genetics/Laboratory Corporation of America, LabCorp
Classification: Likely benign. Last evaluated: 2025-10-07. Review status: criteria provided, single submitter. Criteria: LabCorp Variant Classification Summary - May 2015. Collection method: clinical testing. Allele origin: germline.
Comment: Variant summary: KCNQ2 c.1218-11dupT alters a nucleotide located at a position not widely known to affect splicing. Consensus agreement among computation tools predict no significant impact on normal splicing. However, these predictions have yet to be confirmed by functional studies. The variant allele was found at a frequency of 8.1e-05 in 159728 control chromosomes. This frequency is not significantly higher than estimated for disease-causing variants in KCNQ2, allowing no conclusion about variant significance. To our knowledge, no occurrence of c.1218-11dupT in individuals affected with KCNQ2-related conditions and no experimental evidence demonstrating its impact on protein function have been reported. ClinVar contains an entry for this variant (Variation ID: 668964). Based on the evidence outlined above, the variant was classified as likely benign.

Labcorp Genetics (formerly Invitae), Labcorp
Classification: Likely benign for Early-infantile DEE. Last evaluated: 2025-07-13. Review status: criteria provided, single submitter. Criteria: Invitae Variant Classification Sherloc (09022015). Collection method: clinical testing. Allele origin: germline.

GeneDx
Classification: Likely benign. Last evaluated: 2023-11-20. Review status: criteria provided, single submitter. Criteria: GeneDx Variant Classification Process June 2021. Collection method: clinical testing. Allele origin: germline. Affected: yes.
Comment: See Variant Classification Assertion Criteria.

NM_172107.4(KCNQ2):c.1218-12dup

Gene: KCNQ2 (potassium voltage-gated channel subfamily Q member 2; minus strand). Cytogenetic location: 20q13.33.
Variant type: Duplication.
Coding change: c.1218-12dup on transcript NM_172107.4 (MANE Select); 12 bases into the intron before coding-DNA position 1218, one base duplicated (T; older notation c.1218-12dupT).
Molecular consequence: intron variant.
Genome position (GRCh38, 1-based): chr20:63,424,217, A duplicated on the plus strand (T on the coding strand, the reverse complement: KCNQ2 is on the minus strand); the first of 2 consecutive A bases (chr20:63,424,217-63,424,218); duplicating either gives the same sequence. VCF-style (leftmost placement, unchanged base first): chr20-63424216-G-GA. GRCh37 (hg19) VCF-style: chr20-62055569-G-GA.
Other names: c.1188-12dup (NM_004518.6); c.1218-12dup (NM_172108.5, NM_172106.3); c.1218-11dupT (NM_172107.4).
Identifiers: ClinVar variation 668964 (VCV000668964.10), dbSNP rs761233540, ClinGen allele CA9958556.